The following is an entry in ClinVar:

ClinVar aggregate classification (germline): Uncertain significance. Review status: criteria provided, multiple submitters, no conflicts (2 of 4 stars). 2 submissions from 2 submitters: Uncertain significance (2). Last evaluated 2024-10-15.

Conditions:
Amelocerebrohypohidrotic syndrome (KTZS). Also called: KOHLSCHUTTER SYNDROME; EPILEPSY AND YELLOW TEETH; EPILEPSY, DEMENTIA, AND AMELOGENESIS IMPERFECTA; Kohlschutter's syndrome. Identifiers: Orphanet 1946, MedGen C0406740, MONDO:0009185, OMIM 226750.
Inborn genetic diseases. Identifiers: MedGen C0950123, MeSH D030342.

Allele frequency attached by ClinVar (database versions not stated): TOPMed 0.00008.
gnomAD v4.1: 38 of 1,553,508 alleles (0.0024%); highest among the groups gnomAD compares: Admixed American, 0.018%; no homozygotes.

Submissions (2):

Labcorp Genetics (formerly Invitae), Labcorp
Classification: Uncertain significance for Amelocerebrohypohidrotic syndrome. Last evaluated: 2024-10-15. Review status: criteria provided, single submitter. Criteria: Invitae Variant Classification Sherloc (09022015). Collection method: clinical testing. Allele origin: germline.
Comment: This sequence change replaces threonine, which is neutral and polar, with lysine, which is basic and polar, at codon 177 of the ROGDI protein (p.Thr177Lys). The frequency data for this variant in the population databases is considered unreliable, as metrics indicate poor data quality at this position in the gnomAD database. This variant has not been reported in the literature in individuals affected with ROGDI-related conditions. ClinVar contains an entry for this variant (Variation ID: 651754). An algorithm developed to predict the effect of missense changes on protein structure and function (PolyPhen-2) suggests that this variant¬†is likely to be tolerated. In summary, the available evidence is currently insufficient to determine the role of this variant in disease. Therefore, it has been classified as a Variant of Uncertain Significance.

Ambry Genetics
Classification: Uncertain significance for Inborn genetic diseases. Last evaluated: 2024-04-01. Review status: criteria provided, single submitter. Criteria: Ambry Variant Classification Scheme 2023. Collection method: clinical testing. Allele origin: germline.

NM_024589.3(ROGDI):c.530C>A (p.Thr177Lys)

Gene: ROGDI (rogdi atypical leucine zipper; minus strand). Cytogenetic location: 16p13.3.
Variant type: single nucleotide variant.
Coding change: c.530C>A on transcript NM_024589.3 (MANE Select); coding-DNA position 530, C replaced by A.
Protein change: p.Thr177Lys; replaces threonine 177 with lysine.
Molecular consequence: missense variant. On other transcripts: non-coding transcript variant (1).
Genome position (GRCh38, 1-based): chr16:4,798,570, G>T on the plus strand (C>A on the coding strand, the complement: ROGDI is on the minus strand). VCF-style: chr16-4798570-G-T. GRCh37 (hg19) VCF-style: chr16-4848571-G-T.
Other names: c.530C>A (NM_024589.1); short protein forms T177K.
Identifiers: ClinVar variation 651754 (VCV000651754.10), dbSNP rs571018862, ClinGen allele CA7882679.